The following is an entry in ClinVar:

NM_004006.3(DMD):c.5740-15G>T

Gene: DMD (dystrophin; minus strand). Cytogenetic location: Xp21.1.
Variant type: single nucleotide variant.
Coding change: c.5740-15G>T on transcript NM_004006.3 (MANE Select); 15 bases into the intron before coding-DNA position 5740, G replaced by T.
Molecular consequence: intron variant.
Genome position (GRCh38, 1-based): chrX:32,342,297, C>A on the plus strand (G>T on the coding strand, the complement: DMD is on the minus strand). VCF-style: chrX-32342297-C-A. GRCh37 (hg19) VCF-style: chrX-32360414-C-A.
Other names: c.5716-15G>T (NM_000109.4); c.1717-15G>T (NM_004011.4); c.1708-15G>T (NM_004012.4); c.5728-15G>T (NM_004009.3); c.5371-15G>T (NM_004010.3).
Identifiers: ClinVar variation 1410336 (VCV001410336.6), dbSNP rs2148813786, ClinGen allele CA2573158782.
Genomic context (GRCh38, chrX:32,342,297, plus strand): 5'-CTGCATTCAGCTCCTCTTTCTTCTTCTGCAATTCCCGATCAATTTCCTATTGAGCAAAAC[C>A]AATACAGGGCCCAGGGCAGTTAGCTAACCACATCAACCGACTTGCAAGCAGCAAATACTT-3'

ClinVar aggregate classification (germline): Uncertain significance (1 of 4 stars; one submission).

Conditions:
Duchenne muscular dystrophy (DMD). Also called: MUSCULAR DYSTROPHY, PSEUDOHYPERTROPHIC PROGRESSIVE, DUCHENNE TYPE; Duchenne Muscular Dystrophy (DMD). Identifiers: Orphanet 98896, MedGen C0013264, MONDO:0010679, OMIM 310200.

Submission:

Labcorp Genetics (formerly Invitae), Labcorp
Classification: Uncertain significance for Duchenne muscular dystrophy. Last evaluated: 2024-03-23. Review status: criteria provided, single submitter. Criteria: Invitae Variant Classification Sherloc (09022015). Collection method: clinical testing. Allele origin: germline.
Comment: This sequence change falls in intron 40 of the DMD gene. It does not directly change the encoded amino acid sequence of the DMD protein. This variant is not present in population databases (gnomAD no frequency). This variant has been observed in individual(s) with clinical features of DMD-related conditions (PMID: 27122458). ClinVar contains an entry for this variant (Variation ID: 1410336). Algorithms developed to predict the effect of sequence changes on RNA splicing suggest that this variant is not likely to affect RNA splicing. In summary, the available evidence is currently insufficient to determine the role of this variant in disease. Therefore, it has been classified as a Variant of Uncertain Significance.

Literature cited by the submitters: PubMed 27122458.